The following is an entry in ClinVar:

ClinVar aggregate classification (germline): Likely benign (1 of 4 stars; one submission).

Conditions:
LAMA5-related disorder. Also called: LAMA5-Related Disorders; LAMA5-related condition.

gnomAD v4.1: 1 of 1,606,128 alleles (0.000062%); highest among the groups gnomAD compares: Non-Finnish European, 0.000085%; no homozygotes.

Submission:

PreventionGenetics, part of Exact Sciences
Classification: Likely benign for LAMA5-related condition. Last evaluated: 2025-08-19. Review status: criteria provided, single submitter. Criteria: ACMG Guidelines, 2015. Collection method: clinical testing. Allele origin: germline.
Comment: This variant is classified as likely benign based on ACMG/AMP sequence variant interpretation guidelines (Richards et al. 2015 PMID: 25741868, with internal and published modifications).

NM_005560.6(LAMA5):c.957-7C>T

Gene: LAMA5 (laminin subunit alpha 5; minus strand). Cytogenetic location: 20q13.33.
Variant type: single nucleotide variant.
Coding change: c.957-7C>T on transcript NM_005560.6 (MANE Select); 7 bases into the intron before coding-DNA position 957, C replaced by T.
Molecular consequence: intron variant.
Genome position (GRCh38, 1-based): chr20:62,347,035, G>A on the plus strand (C>T on the coding strand, the complement: LAMA5 is on the minus strand). VCF-style: chr20-62347035-G-A. GRCh37 (hg19) VCF-style: chr20-60922091-G-A.
Identifiers: ClinVar variation 4979831 (VCV004979831.1).
Genomic context (GRCh38, chr20:62,347,035, plus strand): 5'-CAGCAGCGGTCGCAGGTGCCCCCGCAGGTGTTGTGCTGGCAGGTGCACTGCAGCCTGTGG[G>A]GTACACAGGAGGGGGGATCAGGCCCATCCTGGAGGCAGGTGGCAGGTGCTCAGTCCCTTC-3'